The following is an entry in ClinVar:

ClinVar aggregate classification (germline): Uncertain significance (1 of 4 stars; one submission).

Submission:

Labcorp Genetics (formerly Invitae), Labcorp
Classification: Uncertain significance. Last evaluated: 2022-09-27. Review status: criteria provided, single submitter. Criteria: Invitae Variant Classification Sherloc (09022015). Collection method: clinical testing. Allele origin: germline.
Comment: This sequence change falls in intron 6 of the PAFAH1B1 gene. It does not directly change the encoded amino acid sequence of the PAFAH1B1 protein. It affects a nucleotide within the consensus splice site. This variant is not present in population databases (gnomAD no frequency). In summary, the available evidence is currently insufficient to determine the role of this variant in disease. Therefore, it has been classified as a Variant of Uncertain Significance. Variants that disrupt the consensus splice site are a relatively common cause of aberrant splicing (PMID: 17576681, 9536098). Algorithms developed to predict the effect of sequence changes on RNA splicing suggest that this variant is not likely to affect RNA splicing. This variant has not been reported in the literature in individuals affected with PAFAH1B1-related conditions.

Literature cited by the submitters: PubMed 17576681; PubMed 9536098.

NM_000430.4(PAFAH1B1):c.568+4del

Gene: PAFAH1B1 (platelet activating factor acetylhydrolase 1b regulatory subunit 1; plus strand). Cytogenetic location: 17p13.3.
Variant type: Deletion.
Coding change: c.568+4del on transcript NM_000430.4 (MANE Select); 4 bases into the intron after coding-DNA position 568, one base deleted (A; older notation c.568+4delA).
Molecular consequence: intron variant.
Genome position (GRCh38, 1-based): chr17:2,670,335, A deleted; the last of 2 consecutive A bases (chr17:2,670,334-2,670,335); deleting either gives the same sequence. VCF-style (leftmost placement, unchanged base first): chr17-2670333-TA-T. GRCh37 (hg19) VCF-style: chr17-2573627-TA-T.
Identifiers: ClinVar variation 2032991 (VCV002032991.4), dbSNP rs2544097291, ClinGen allele CA2580092562.